The following is an entry in ClinVar:

NM_001040142.2(SCN2A):c.5905A>G (p.Thr1969Ala)

Gene: SCN2A (sodium voltage-gated channel alpha subunit 2; plus strand). Cytogenetic location: 2q24.3.
Variant type: single nucleotide variant.
Coding change: c.5905A>G on transcript NM_001040142.2 (MANE Select); coding-DNA position 5905, A replaced by G.
Protein change: p.Thr1969Ala; replaces threonine 1969 with alanine.
Molecular consequence: missense variant.
Genome position (GRCh38, 1-based): chr2:165,389,711, A>G. VCF-style: chr2-165389711-A-G. GRCh37 (hg19) VCF-style: chr2-166246221-A-G.
Other names: c.5905A>G, p.Thr1969Ala (NM_001040143.2, NM_001371246.1, NM_001371247.1 and 1 more transcripts); short protein forms T1969A.
Identifiers: ClinVar variation 452514 (VCV000452514.2), dbSNP rs1553463915, ClinGen allele CA349041473.

ClinVar aggregate classification (germline): Uncertain significance (1 of 4 stars; one submission).

Allele frequency attached by ClinVar (database versions not stated): gnomAD exomes below 0.00001.
gnomAD v4.1: 2 of 1,614,016 alleles (0.00012%); highest among the groups gnomAD compares: Non-Finnish European, 0.00017%; no homozygotes.

Submission:

GeneDx
Classification: Uncertain significance. Last evaluated: 2017-10-04. Review status: criteria provided, single submitter. Criteria: GeneDx Variant Classification (06012015). Collection method: clinical testing. Allele origin: germline. Affected: yes.
Comment: The T1969A variant in the SCN2A gene has not been reported previously as a pathogenic variant, nor as a benign variant, to our knowledge. The T1969A variant is not observed in large population cohorts (Lek et al., 2016). The T1969A variant is a non-conservative amino acid substitution, which is likely to impact secondary protein structure as these residues differ in polarity, charge, size and/or other properties. This substitution occurs at a position that is conserved in mammals and is located within the C-terminal cytoplasmic domain (Shi et al., 2012). In silico analysis predicts this variant is probably damaging to the protein structure/function. We interpret T1969A as a variant of uncertain significance